The following is an entry in ClinVar:

ClinVar aggregate classification (germline): Uncertain significance (1 of 4 stars; one submission).

Conditions:
Hereditary sensory and autonomic neuropathy type 6. Also called: HSAN VI; Neuropathy, hereditary sensory and autonomic, type VI. Identifiers: Orphanet 314381, MedGen C3539003, MONDO:0013839, OMIM 614653.
Epidermolysis bullosa simplex 3, localized or generalized intermediate, with BP230 deficiency (EBS3). Also called: Epidermolysis bullosa simplex, autosomal recessive 2; Epidermolysis bullosa simplex due to BP230 deficiency. Identifiers: Orphanet 412181, MedGen C3809470, MONDO:0014180, OMIM 615425.

Allele frequency attached by ClinVar (database versions not stated): gnomAD 0.00001; TOPMed 0.00001; ExAC 0.00003; gnomAD exomes 0.00003 and 0.00004.
gnomAD v4.1: 56 of 1,613,996 alleles (0.0035%); highest among the groups gnomAD compares: Admixed American, 0.005%; no homozygotes.

Submission:

Labcorp Genetics (formerly Invitae), Labcorp
Classification: Uncertain significance for Epidermolysis bullosa simplex 3, localized or generalized intermediate, with BP230 deficiency; Hereditary sensory and autonomic neuropathy type 6. Last evaluated: 2021-08-27. Review status: criteria provided, single submitter. Criteria: Invitae Variant Classification Sherloc (09022015). Collection method: clinical testing. Allele origin: germline.
Comment: This sequence change replaces arginine with cysteine at codon 1811 of the DST protein (p.Arg1811Cys). The arginine residue is weakly conserved and there is a large physicochemical difference between arginine and cysteine. This variant is present in population databases (rs757428058, ExAC 0.009%). This variant has not been reported in the literature in individuals affected with DST-related conditions. Algorithms developed to predict the effect of missense changes on protein structure and function (SIFT, PolyPhen-2, Align-GVGD) all suggest that this variant is likely to be tolerated. In summary, the available evidence is currently insufficient to determine the role of this variant in disease. Therefore, it has been classified as a Variant of Uncertain Significance.

NM_001723.7(DST):c.5431C>T (p.Arg1811Cys)

Gene: DST (dystonin; minus strand). Cytogenetic location: 6p12.1.
Variant type: single nucleotide variant.
Coding change: c.5431C>T on transcript NM_001723.7 (MANE Plus Clinical); coding-DNA position 5431, C replaced by T.
Protein change: p.Arg1811Cys; replaces arginine 1811 with cysteine.
Molecular consequence: missense variant. On other transcripts: intron variant (10).
Genome position (GRCh38, 1-based): chr6:56,618,603, G>A on the plus strand (C>T on the coding strand, the complement: DST is on the minus strand). VCF-style: chr6-56618603-G-A. GRCh37 (hg19) VCF-style: chr6-56483401-G-A.
Other names: c.4831-4119C>T (NM_001144769.5); c.4930-4119C>T (NM_001374722.1, NM_001374736.1); c.4957-4119C>T (NM_001374734.1); c.4417-4119C>T (NM_001144770.2); c.4297-4119C>T (NM_001374730.1, NM_001386100.1, NM_183380.4 and 1 more transcripts); c.3319-4119C>T (NM_015548.5); short protein forms R1811C.
Identifiers: ClinVar variation 474533 (VCV000474533.6), dbSNP rs757428058, ClinGen allele CA3870363.
Genomic context (GRCh38, chr6:56,618,603, plus strand): 5'-GTTTCTGACATTTTTGGTAATGATTTGCTTCCATGTGCTGCCCTTGCTGCATTTGTTCAC[G>A]ATACTGTTGAAGCTGTCTTTCAAGTTCTTTAATGTTTGTTTCACAAAGCTTAGCATTTTC-3'
Protein context (NP_001714.1, residues 1801-1821): KELERQLQQY[Arg1811Cys]EQMQQGQHME